The following is an entry in ClinVar:

NM_015102.5(NPHP4):c.2612-4G>A

Gene: NPHP4 (nephrocystin 4; minus strand). Cytogenetic location: 1p36.31.
Variant type: single nucleotide variant.
Coding change: c.2612-4G>A on transcript NM_015102.5 (MANE Select); 4 bases into the intron before coding-DNA position 2612, G replaced by A.
Molecular consequence: intron variant.
Genome position (GRCh38, 1-based): chr1:5,877,302, C>T on the plus strand (G>A on the coding strand, the complement: NPHP4 is on the minus strand). VCF-style: chr1-5877302-C-T. GRCh37 (hg19) VCF-style: chr1-5937362-C-T.
Other names: c.1076-4G>A (NM_001291594.2); c.1073-4G>A (NM_001291593.2); c.2612-4G>A (NM_015102.4).
Identifiers: ClinVar variation 1613696 (VCV001613696.9), dbSNP rs776912822, ClinGen allele CA553985.

ClinVar aggregate classification (germline): Likely benign. Review status: criteria provided, multiple submitters, no conflicts (2 of 4 stars). 2 submissions from 2 submitters: Likely benign (2). Last evaluated 2025-08-29.

Conditions:
NPHP4-related disorder. Also called: NPHP4-related disorders; NPHP4-related condition. Identifiers: MedGen CN239384.
Nephronophthisis. Also called: Juvenile Nephronophthisis. Identifiers: Orphanet 655, MedGen C0687120, MONDO:0019005, HP:0000090.

Allele frequency attached by ClinVar (database versions not stated): ExAC 0.00003.
gnomAD v4.1: 23 of 1,587,040 alleles (0.0014%); highest among the groups gnomAD compares: South Asian, 0.0079%; no homozygotes.

Submissions (2):

PreventionGenetics, part of Exact Sciences
Classification: Likely benign for NPHP4-related condition. Last evaluated: 2025-08-29. Review status: criteria provided, single submitter. Criteria: ACMG Guidelines, 2015. Collection method: clinical testing. Allele origin: germline.
Comment: This variant is classified as likely benign based on ACMG/AMP sequence variant interpretation guidelines (Richards et al. 2015 PMID: 25741868, with internal and published modifications).

Labcorp Genetics (formerly Invitae), Labcorp
Classification: Likely benign for Nephronophthisis. Last evaluated: 2024-12-16. Review status: criteria provided, single submitter. Criteria: Invitae Variant Classification Sherloc (09022015). Collection method: clinical testing. Allele origin: germline.